The following is an entry in ClinVar:

ClinVar aggregate classification (germline): Likely pathogenic (1 of 4 stars; one submission).

Conditions:
Coffin-Siris syndrome 1 (CSS1). Also called: Mental retardation, autosomal dominant 12; ARID1B-Related Coffin-Siris Syndrome. Identifiers: Orphanet 1465, MedGen C3281201, MONDO:0007617, OMIM 135900. Disease mechanism: gain of function.

Submission:

3billion
Classification: Likely pathogenic for Coffin-Siris syndrome 1. Review status: criteria provided, single submitter. Criteria: ACMG Guidelines, 2015. Collection method: clinical testing. Allele origin: unknown. Affected: yes. Observed: 1 heterozygote.
Comment: The variant is not observed in the gnomAD v2.1.1 dataset. The variant is predicted to result in a loss or disruption of normal protein function through protein truncation. Multiple pathogenic variants are reported in the predicted truncated region. Therefore, this variant is classified as Likely pathogenic according to the recommendation of ACMG/AMP guideline.

NM_001374828.1(ARID1B):c.6161dup (p.Cys2055fs)

Gene: ARID1B (AT-rich interaction domain 1B; plus strand). Cytogenetic location: 6q25.3.
Variant type: Duplication.
Coding change: c.6161dup on transcript NM_001374828.1 (MANE Select); coding-DNA position 6161, one base duplicated (T; older notation c.6161dupT).
Protein change: p.Cys2055fs; shifts the reading frame from cysteine 2055.
Molecular consequence: frameshift variant.
Genome position (GRCh38, 1-based): chr6:157,206,933, T duplicated. VCF-style (leftmost placement, unchanged base first): chr6-157206932-C-CT. GRCh37 (hg19) VCF-style: chr6-157528066-C-CT.
Other names: c.6041dup, p.Cys2015fs (NM_001374820.1, NM_001371656.1); c.5792dup, p.Cys1932Valfs (NM_020732.3); c.5579dup, p.Cys1861Valfs (NM_175863.2); c.6002dup, p.Cys2002fs (NM_017519.3); c.3662dup, p.Cys1222fs (NM_001363725.2); c.5912dup, p.Cys1972Valfs (NM_001346813.1); short protein forms C1222fs, C2002fs, C2015fs, C2055fs.
Identifiers: ClinVar variation 2572554 (VCV002572554.1), dbSNP rs2538775159, ClinGen allele CA2580615815.